The following is an entry in ClinVar:

ClinVar aggregate classification (germline): Uncertain significance (1 of 4 stars; one submission).

gnomAD v4.1: 21 of 1,549,794 alleles (0.0014%); highest among the groups gnomAD compares: South Asian, 0.013%; no homozygotes.

Submission:

Labcorp Genetics (formerly Invitae), Labcorp
Classification: Uncertain significance. Last evaluated: 2024-03-20. Review status: criteria provided, single submitter. Criteria: Invitae Variant Classification Sherloc (09022015). Collection method: clinical testing. Allele origin: germline.
Comment: This sequence change replaces asparagine, which is neutral and polar, with serine, which is neutral and polar, at codon 249 of the DTHD1 protein (p.Asn249Ser). This variant is present in population databases (rs779417332, gnomAD 0.03%). This variant has not been reported in the literature in individuals affected with DTHD1-related conditions. An algorithm developed to predict the effect of missense changes on protein structure and function (PolyPhen-2) suggests that this variant is likely to be tolerated. In summary, the available evidence is currently insufficient to determine the role of this variant in disease. Therefore, it has been classified as a Variant of Uncertain Significance.

NM_001170700.3(DTHD1):c.1616A>G (p.Asn539Ser)

Gene: DTHD1 (death domain containing 1; plus strand). Cytogenetic location: 4p14.
Variant type: single nucleotide variant.
Coding change: c.1616A>G on transcript NM_001170700.3 (MANE Select); coding-DNA position 1616, A replaced by G.
Protein change: p.Asn539Ser; replaces asparagine 539 with serine.
Molecular consequence: missense variant. On other transcripts: non-coding transcript variant (2).
Genome position (GRCh38, 1-based): chr4:36,295,012, A>G. VCF-style: chr4-36295012-A-G. GRCh37 (hg19) VCF-style: chr4-36296634-A-G.
Other names: c.746A>G, p.Asn249Ser (NM_001136536.5); c.683A>G, p.Asn228Ser (NM_001378435.1); short protein forms N539S, N228S, N249S.
Identifiers: ClinVar variation 3631971 (VCV003631971.2).